The following is an entry in ClinVar:

ClinVar aggregate classification (germline): Uncertain significance. Review status: criteria provided, multiple submitters, no conflicts (2 of 4 stars). 2 submissions from 2 submitters: Uncertain significance (2). Last evaluated 2025-11-03.

Conditions:
Familial adenomatous polyposis 2. Also called: COLORECTAL ADENOMATOUS POLYPOSIS, AUTOSOMAL RECESSIVE; ADENOMAS, MULTIPLE COLORECTAL, AUTOSOMAL RECESSIVE; MYH-associated polyposis; MUTYH-associated polyposis; MUTYH-related attenuated familial adenomatous polyposis; FAP type 2. Identifiers: Orphanet 220460, Orphanet 247798, MedGen C3272841, MONDO:0012041, OMIM 608456.
Hereditary cancer-predisposing syndrome. Also called: Tumor predisposition; Neoplastic Syndromes, Hereditary; Hereditary Cancer Syndrome; Hereditary neoplastic syndrome. Identifiers: Orphanet 140162, MedGen C0027672, MeSH D009386, MONDO:0015356.

Submissions (2):

Labcorp Genetics (formerly Invitae), Labcorp
Classification: Uncertain significance for Familial adenomatous polyposis 2. Last evaluated: 2025-11-03. Review status: criteria provided, single submitter. Criteria: Invitae Variant Classification Sherloc (09022015). Collection method: clinical testing. Allele origin: germline.
Comment: This sequence change replaces threonine, which is neutral and polar, with proline, which is neutral and non-polar, at codon 539 of the MUTYH protein (p.Thr539Pro). This variant is not present in population databases (gnomAD no frequency). This variant has not been reported in the literature in individuals affected with MUTYH-related conditions. ClinVar contains an entry for this variant (Variation ID: 4113444). An algorithm developed to predict the effect of missense changes on protein structure and function (PolyPhen-2) suggests that this variant is likely to be tolerated. In summary, the available evidence is currently insufficient to determine the role of this variant in disease. Therefore, it has been classified as a Variant of Uncertain Significance.

Ambry Genetics
Classification: Uncertain significance for Hereditary cancer-predisposing syndrome. Last evaluated: 2025-08-27. Review status: criteria provided, single submitter. Criteria: Ambry Variant Classification Scheme 2023. Collection method: clinical testing. Allele origin: germline.
Comment: The p.T539P variant (also known as c.1615A>C), located in coding exon 16 of the MUTYH gene, results from an A to C substitution at nucleotide position 1615. The threonine at codon 539 is replaced by proline, an amino acid with highly similar properties. This amino acid position is conserved. In addition, this alteration is predicted to be tolerated by in silico analysis. Based on the available evidence, the clinical significance of this variant remains unclear.

NM_001048174.2(MUTYH):c.1531A>C (p.Thr511Pro)

Gene: MUTYH (mutY DNA glycosylase; minus strand). Cytogenetic location: 1p34.1.
Variant type: single nucleotide variant.
Coding change: c.1531A>C on transcript NM_001048174.2 (MANE Select); coding-DNA position 1531, A replaced by C.
Protein change: p.Thr511Pro; replaces threonine 511 with proline.
Molecular consequence: missense variant. On other transcripts: non-coding transcript variant (7).
Genome position (GRCh38, 1-based): chr1:45,329,341, T>G on the plus strand (A>C on the coding strand, the complement: MUTYH is on the minus strand). VCF-style: chr1-45329341-T-G. GRCh37 (hg19) VCF-style: chr1-45795013-T-G.
Other names: c.1531A>C, p.Thr511Pro (NM_001048171.2, NM_001048173.2, NM_001293195.2 and 6 more transcripts); c.1534A>C, p.Thr512Pro (NM_001048172.2, NM_001407071.1, NM_001407078.1 and 1 more transcripts); c.1615A>C, p.Thr539Pro (NM_001128425.2); c.1576A>C, p.Thr526Pro (NM_001293190.2); c.1564A>C, p.Thr522Pro (NM_001293191.2, NM_001407069.1, NM_001407077.1); c.1255A>C, p.Thr419Pro (NM_001293192.2, NM_001293196.2, NM_001407091.1); c.1186A>C, p.Thr396Pro (NM_001350650.2, NM_001350651.2, NM_001407082.1); c.1552A>C, p.Thr518Pro (NM_001407087.1); and 5 more; short protein forms T497P, T498P, T518P, T483P, T511P, T512P, T522P, T526P.
Identifiers: ClinVar variation 4113444 (VCV004113444.2).